The following is an entry in ClinVar:

ClinVar aggregate classification (germline): Uncertain significance (1 of 4 stars; one submission).

Conditions:
Coffin-Siris syndrome 8. Identifiers: MedGen C5193054, MONDO:0032702, OMIM 618362.

Submission:

Juno Genomics, Hangzhou Juno Genomics, Inc
Classification: Uncertain significance for Coffin-Siris syndrome 8. Review status: criteria provided, single submitter. Criteria: ACMG Guidelines, 2015. Collection method: clinical testing. Allele origin: germline.
Comment: Absent from controls (or at extremely low frequency if recessive) in Genome Aggregation Database.;Multiple lines of computational evidence support a deleterious effect on the gene or gene product.

NM_001330288.2(SMARCC2):c.1864-22C>G

Gene: SMARCC2 (SWI/SNF related BAF chromatin remodeling complex subunit C2; minus strand). Cytogenetic location: 12q13.2.
Variant type: single nucleotide variant.
Coding change: c.1864-22C>G on transcript NM_001330288.2 (MANE Select); 22 bases into the intron before coding-DNA position 1864, C replaced by G.
Molecular consequence: intron variant.
Genome position (GRCh38, 1-based): chr12:56,172,512, G>C on the plus strand (C>G on the coding strand, the complement: SMARCC2 is on the minus strand). VCF-style: chr12-56172512-G-C. GRCh37 (hg19) VCF-style: chr12-56566296-G-C.
Other names: c.1771-22C>G (NM_003075.5); c.1864-22C>G (NM_139067.4, NM_001130420.3).
Identifiers: ClinVar variation 5019755 (VCV005019755.2).
Genomic context (GRCh38, chr12:56,172,512, plus strand): 5'-TTCTGTCCACTCACGAGTGGCACTGGCTGCAGCCTTGCTCTGCAGGGGAAACACAGGCAG[G>C]TGAGAAGAAAGGAGCCTGTGACCTCTGAGGAGCGAACATTCTCTACCCCTAGAGTCGGCC-3'